The following is an entry in ClinVar:

NM_015107.3(PHF8):c.2662G>T (p.Ala888Ser)

Gene: PHF8 (PHD finger protein 8; minus strand). Cytogenetic location: Xp11.22.
Variant type: single nucleotide variant.
Coding change: c.2662G>T on transcript NM_015107.3 (MANE Select); coding-DNA position 2662, G replaced by T.
Protein change: p.Ala888Ser; replaces alanine 888 with serine.
Molecular consequence: missense variant.
Genome position (GRCh38, 1-based): chrX:53,940,504, C>A on the plus strand (G>T on the coding strand, the complement: PHF8 is on the minus strand). VCF-style: chrX-53940504-C-A. GRCh37 (hg19) VCF-style: chrX-53966937-C-A.
Other names: c.2770G>T, p.Ala924Ser (NM_001184896.1); c.2359G>T, p.Ala787Ser (NM_001184897.2); short protein forms A787S, A888S, A924S.
Identifiers: ClinVar variation 3373242 (VCV003373242.2).

ClinVar aggregate classification (germline): Uncertain significance. Review status: criteria provided, multiple submitters, no conflicts (2 of 4 stars). 2 submissions from 2 submitters: Uncertain significance (2). Last evaluated 2025-11-03.

Submissions (2):

Greenwood Genetic Center Diagnostic Laboratories, Greenwood Genetic Center
Classification: Uncertain significance. Last evaluated: 2025-11-03. Review status: criteria provided, single submitter. Criteria: ACMG Guidelines, 2015. Collection method: clinical testing. Allele origin: germline. Affected: yes.
Comment: PM2, BP4, PP2

GeneDx
Classification: Uncertain significance. Last evaluated: 2024-04-30. Review status: criteria provided, single submitter. Criteria: GeneDx Variant Classification Process June 2021. Collection method: clinical testing. Allele origin: germline. Affected: yes.
Comment: Not observed at significant frequency in large population cohorts (gnomAD); In silico analysis indicates that this missense variant does not alter protein structure/function; Has not been previously published as pathogenic or benign to our knowledge